The following is an entry in ClinVar:

ClinVar aggregate classification (germline): Likely benign (0 of 4 stars; one submission).

Conditions:
KLKB1-related disorder. Also called: KLKB1-related condition.

Allele frequency attached by ClinVar (database versions not stated): gnomAD exomes 0.00019; ExAC 0.00052; TOPMed 0.00181; gnomAD 0.00183; ESP Exome Variant Server 0.00208; 1000 Genomes Project 0.00319; 1000 Genomes Project 30x 0.00328.
gnomAD v4.1: 553 of 1,614,190 alleles (0.034%); highest among the groups gnomAD compares: African/African-American, 0.63%; 3 homozygotes.

Submission:

PreventionGenetics, part of Exact Sciences
Classification: Likely benign for KLKB1-related condition. Last evaluated: 2021-03-08. Review status: no assertion criteria provided. Collection method: clinical testing. Allele origin: germline.
Comment: This variant is classified as likely benign based on ACMG/AMP sequence variant interpretation guidelines (Richards et al. 2015 PMID: 25741868, with internal and published modifications).

NM_000892.5(KLKB1):c.1871A>C (p.Lys624Thr)

Gene: KLKB1 (kallikrein B1; plus strand). Cytogenetic location: 4q35.2.
Variant type: single nucleotide variant.
Coding change: c.1871A>C on transcript NM_000892.5 (MANE Select); coding-DNA position 1871, A replaced by C.
Protein change: p.Lys624Thr; replaces lysine 624 with threonine.
Molecular consequence: missense variant. On other transcripts: 3 prime UTR variant (1).
Genome position (GRCh38, 1-based): chr4:186,258,166, A>C. VCF-style: chr4-186258166-A-C. GRCh37 (hg19) VCF-style: chr4-187179320-A-C.
Other names: c.*72A>C (NM_001318394.2); c.1265A>C, p.Lys422Thr (NM_001318396.2); short protein forms K422T, K624T.
Identifiers: ClinVar variation 3034665 (VCV003034665.2), dbSNP rs61733943, ClinGen allele CA3163509.